The following is an entry in ClinVar:

NM_198576.4(AGRN):c.5252C>T (p.Pro1751Leu)

Gene: AGRN (agrin; plus strand). Cytogenetic location: 1p36.33.
Variant type: single nucleotide variant.
Coding change: c.5252C>T on transcript NM_198576.4 (MANE Select); coding-DNA position 5252, C replaced by T.
Protein change: p.Pro1751Leu; replaces proline 1751 with leucine.
Molecular consequence: missense variant.
Genome position (GRCh38, 1-based): chr1:1,050,836, C>T. VCF-style: chr1-1050836-C-T. GRCh37 (hg19) VCF-style: chr1-986216-C-T.
Other names: c.5252C>T, p.Pro1751Leu (NM_001305275.2); c.4937C>T, p.Pro1646Leu (NM_001364727.2); c.5252C>T (NM_198576.3); short protein forms P1646L, P1751L.
Identifiers: ClinVar variation 1372338 (VCV001372338.6), dbSNP rs756986183, ClinGen allele CA509921.
Genomic context (GRCh38, chr1:1,050,836, plus strand): 5'-GAAACGGCCGCAAGGGTGCCCTGCGTGTGGGCGACGGCCCCCGTGTGTTGGGGGAGTCCC[C>T]GGTGAGTGCTCTGGGCCGCGAGGGGACTCCCGCTGCTGCCTGCTCTTCCTCCTCGGGCGG-3'
Protein context (NP_940978.2, residues 1741-1761): GDGPRVLGES[Pro1751Leu]VPHTVLNLKE

ClinVar aggregate classification (germline): Uncertain significance. Review status: criteria provided, multiple submitters, no conflicts (2 of 4 stars). 2 submissions from 2 submitters: Uncertain significance (2). Last evaluated 2025-04-14.

Conditions:
Inborn genetic diseases. Identifiers: MedGen C0950123, MeSH D030342.
Congenital myasthenic syndrome 8. Also called: Myasthenic syndrome, congenital, 8, with pre- and postsynaptic defects; MYASTHENIC SYNDROME, CONGENITAL, DUE TO AGRIN DEFICIENCY. Identifiers: Orphanet 590, MedGen C3808739, MONDO:0014052, OMIM 615120.

Allele frequency attached by ClinVar (database versions not stated): gnomAD exomes 0.00004; gnomAD 0.00001; TOPMed 0.00005; ExAC 0.00008.
gnomAD v4.1: 14 of 1,568,648 alleles (0.00089%); highest among the groups gnomAD compares: Middle Eastern, 0.02%; no homozygotes.

Submissions (2):

Ambry Genetics
Classification: Uncertain significance for Inborn genetic diseases. Last evaluated: 2025-04-14. Review status: criteria provided, single submitter. Criteria: Ambry Variant Classification Scheme 2023. Collection method: clinical testing. Allele origin: germline.

Labcorp Genetics (formerly Invitae), Labcorp
Classification: Uncertain significance for Congenital myasthenic syndrome 8. Last evaluated: 2022-07-19. Review status: criteria provided, single submitter. Criteria: Invitae Variant Classification Sherloc (09022015). Collection method: clinical testing. Allele origin: germline.
Comment: This sequence change replaces proline, which is neutral and non-polar, with leucine, which is neutral and non-polar, at codon 1751 of the AGRN protein (p.Pro1751Leu). The frequency data for this variant in the population databases is considered unreliable, as metrics indicate poor data quality at this position in the gnomAD database. This variant has not been reported in the literature in individuals affected with AGRN-related conditions. ClinVar contains an entry for this variant (Variation ID: 1372338). Algorithms developed to predict the effect of missense changes on protein structure and function are either unavailable or do not agree on the potential impact of this missense change (SIFT: "Deleterious"; PolyPhen-2: "Probably Damaging"; Align-GVGD: "Class C0"). In summary, the available evidence is currently insufficient to determine the role of this variant in disease. Therefore, it has been classified as a Variant of Uncertain Significance.